The following is an entry in ClinVar:

NM_000059.4(BRCA2):c.2834_2835del (p.Lys945fs)

Gene: BRCA2 (BRCA2 DNA repair associated; plus strand). Cytogenetic location: 13q13.1.
Variant type: Deletion.
Coding change: c.2834_2835del on transcript NM_000059.4 (MANE Select); coding-DNA positions 2834 to 2835, 2 bases deleted (AA; older notation c.2834_2835delAA).
Protein change: p.Lys945fs; shifts the reading frame from lysine 945.
Molecular consequence: frameshift variant.
Genome position (GRCh38, 1-based): chr13:32,337,189-32,337,190, AA deleted; deleting any 2 consecutive bases within chr13:32,337,185-32,337,190 gives the same sequence; the c. name uses the placement nearest the transcript's 3' end. VCF-style (leftmost placement, unchanged base first): chr13-32337184-TAA-T. GRCh37 (hg19) VCF-style: chr13-32911321-TAA-T.
Other names: 3062delAA; c.2834_2835delAA (NM_000059.3).
Identifiers: ClinVar variation 55791 (VCV000055791.19), dbSNP rs80359356, ClinGen allele CA016544.

ClinVar aggregate classification (germline): Pathogenic. Review status: reviewed by expert panel (3 of 4 stars). 13 submissions from 13 submitters: Pathogenic (1). 12 of the submissions do not count toward it. Last evaluated 2016-09-08.

Conditions:
Hereditary cancer-predisposing syndrome. Also called: Neoplastic Syndromes, Hereditary; Tumor predisposition; Hereditary neoplastic syndrome; Hereditary Cancer Syndrome. Identifiers: Orphanet 140162, MedGen C0027672, MeSH D009386, MONDO:0015356.
Hereditary breast ovarian cancer syndrome. Also called: Hereditary breast and ovarian cancer syndrome; Hereditary breast and ovarian cancer; Hereditary breast and ovarian cancer syndrome (HBOC); Breast and ovarian cancer; Hereditary breast and/or ovarian cancer syndrome; BRCA1- and BRCA2-Associated Hereditary Breast and Ovarian Cancer. Identifiers: Orphanet 145, MedGen C0677776, MeSH D061325, MONDO:0003582. Disease mechanism: loss of function.
Breast-ovarian cancer, familial, susceptibility to, 2 (BROVCA2). Also called: BRCA2 Hereditary Breast and Ovarian Cancer. Identifiers: Orphanet 145, MedGen C2675520, MONDO:0012933, OMIM 612555. Disease mechanism: loss of function.

Submissions (13):

Evidence-based Network for the Interpretation of Germline Mutant Alleles (ENIGMA)
Classification: Pathogenic for Breast-ovarian cancer, familial, susceptibility to, 2. Last evaluated: 2016-09-08. Review status: reviewed by expert panel. Criteria: ENIGMA BRCA1/2 Classification Criteria (2015). Collection method: curation. Allele origin: germline.
Comment: Variant allele predicted to encode a truncated non-functional protein.

Quest Diagnostics Nichols Institute San Juan Capistrano
Classification: Pathogenic. Last evaluated: 2025-04-14. Review status: criteria provided, single submitter. Criteria: Quest Diagnostics criteria. Collection method: clinical testing. Allele origin: unknown. Not counted in ClinVar's aggregate classification.
Comment: The BRCA2 c.2834_2835del (p.Lys945Argfs*13) variant alters the translational reading frame of the BRCA2 mRNA and causes the premature termination of BRCA2 protein synthesis. This variant has been reported in individuals with breast cancer (PMID: 33471991 (2021), see LOVD), ovarian cancer (PMID: 34657373 (2022)), and observed in a screening study of families with BRCA1 and BRCA2 pathogenic variants (PMID: 29446198 (2018)). This variant has not been reported in large, multi-ethnic general populations (Genome Aggregation Database). Based on the available information, this variant is classified as pathogenic.

Ambry Genetics
Classification: Pathogenic for Hereditary cancer-predisposing syndrome. Last evaluated: 2023-12-27. Review status: criteria provided, single submitter. Criteria: Ambry Variant Classification Scheme 2023. Collection method: clinical testing. Allele origin: germline. Not counted in ClinVar's aggregate classification.
Comment: The c.2834_2835delAA pathogenic mutation, located in coding exon 10 of the BRCA2 gene, results from a deletion of two nucleotides at nucleotide positions 2834 to 2835, causing a translational frameshift with a predicted alternate stop codon (p.K945Rfs*13). This alteration was identified in a large, worldwide study of BRCA1/2 mutation positive families (Rebbeck TR et al. Hum. Mutat. 2018 05;39:593-620). This variant is considered to be rare based on population cohorts in the Genome Aggregation Database (gnomAD). This alteration is expected to result in loss of function by premature protein truncation or nonsense-mediated mRNA decay. As such, this alteration is interpreted as a disease-causing mutation.

Labcorp Genetics (formerly Invitae), Labcorp
Classification: Pathogenic for Hereditary breast ovarian cancer syndrome. Last evaluated: 2023-08-17. Review status: criteria provided, single submitter. Criteria: Invitae Variant Classification Sherloc (09022015). Collection method: clinical testing. Allele origin: germline. Not counted in ClinVar's aggregate classification.
Comment: For these reasons, this variant has been classified as Pathogenic. ClinVar contains an entry for this variant (Variation ID: 55791). This premature translational stop signal has been observed in individual(s) with a personal and/or family history of breast and/or ovarian cancer (PMID: 29446198). This variant is not present in population databases (gnomAD no frequency). This sequence change creates a premature translational stop signal (p.Lys945Argfs*13) in the BRCA2 gene. It is expected to result in an absent or disrupted protein product. Loss-of-function variants in BRCA2 are known to be pathogenic (PMID: 20104584).

Women's Health and Genetics/Laboratory Corporation of America, LabCorp
Classification: Pathogenic for Hereditary breast ovarian cancer syndrome. Last evaluated: 2023-04-27. Review status: criteria provided, single submitter. Criteria: LabCorp Variant Classification Summary - May 2015. Collection method: clinical testing. Allele origin: germline. Not counted in ClinVar's aggregate classification.
Comment: Variant summary: BRCA2 c.2834_2835delAA (p.Lys945ArgfsX13) results in a premature termination codon, predicted to cause a truncation of the encoded protein or absence of the protein due to nonsense mediated decay, which are commonly known mechanisms for disease. The variant was absent in 250426 control chromosomes (gnomAD). c.2834_2835delAA has been reported in the literature in individuals affected with Hereditary Breast And Ovarian Cancer (Rebbeck_2018). The following publication has been ascertained in the context of this evaluation (PMID: 29446198). Six submitters (including an expert panel, ENIGMA) have provided clinical-significance assessments for this variant to ClinVar after 2014 and all classified the variant as pathogenic. Based on the evidence outlined above, the variant was classified as pathogenic.

Laboratory for Molecular Medicine, Mass General Brigham Personalized Medicine
Classification: Likely pathogenic for Hereditary breast ovarian cancer syndrome. Last evaluated: 2019-10-14. Review status: criteria provided, single submitter. Criteria: ACMG Guidelines, 2015. Collection method: clinical testing. Allele origin: germline. Not counted in ClinVar's aggregate classification.
Comment: The p.Lys945ArgfsX13 variant in BRCA2 has not been previously reported in individuals with hereditary breast and/or ovarian cancer (HBOC) and was absent from large population studies, but has been reported in ClinVar (Variation ID: 55791). This variant is predicted to cause a frameshift, which alters the protein’s amino acid sequence beginning at position 945 and leads to a premature termination codon 13 amino acids downstream. This alteration is then predicted to lead to a truncated or absent protein. Loss of function of the BRCA2 gene is an established disease mechanism in autosomal dominant HBOC. In summary, although additional studies are required to fully establish its clinical significance, this variant meets criteria to be classified as likely pathogenic for autosomal dominant HBOC. ACMG/AMP Criteria applied: PVS1, PM2.

Color Diagnostics, LLC DBA Color Health
Classification: Pathogenic for Hereditary cancer-predisposing syndrome. Last evaluated: 2019-07-18. Review status: criteria provided, single submitter. Criteria: ACMG Guidelines, 2015. Collection method: clinical testing. Allele origin: germline. Not counted in ClinVar's aggregate classification.
Comment: This variant deletes 2 nucleotides in exon 11 of the BRCA2 gene, creating a frameshift and premature translation stop signal. This variant is expected to result in an absent or non-functional protein product. Computational splicing tools suggest that this variant may not impact RNA splicing. To our knowledge, functional assays have not been performed for this variant nor has this variant been reported in individuals affected with hereditary cancer in the literature. This variant has not been identified in the general population by the Genome Aggregation Database (gnomAD). Loss of BRCA2 function is a known mechanism of disease. Based on available evidence, this variant is classified as Pathogenic.

Division of Medical Genetics, University of Washington
Classification: Pathogenic for Breast-ovarian cancer, familial, susceptibility to, 2. Last evaluated: 2019-02-13. Review status: criteria provided, single submitter. Criteria: ACMG Guidelines, 2015. Collection method: clinical testing. Allele origin: germline. Affected: no. Study: CSER_CHARM. Not counted in ClinVar's aggregate classification.
Comment: The c.2834_2835delAA variant results in a translational frameshift and the introduction of a premature termination codon 13 residues downstream. The variant transcript is predicted to be unstable and degraded by nonsense-mediated decay. Loss of expression of one allele of BRCA2 is a well-established mechanism of disease for HBOC. Thus, this variant is interpreted as pathogenic.

Consortium of Investigators of Modifiers of BRCA1/2 (CIMBA), c/o University of Cambridge
Classification: Pathogenic for Breast-ovarian cancer, familial, susceptibility to, 2. Last evaluated: 2015-10-02. Review status: criteria provided, single submitter. Criteria: CIMBA Mutation Classification guidelines May 2016. Collection method: clinical testing. Allele origin: germline. Not counted in ClinVar's aggregate classification.

Research Molecular Genetics Laboratory, Women's College Hospital, University of Toronto
Classification: Pathogenic for Hereditary breast ovarian cancer syndrome. Last evaluated: 2014-01-31. Review status: no assertion criteria provided. Collection method: research. Allele origin: germline. Affected: yes. Study: The Canadian Open Genetics Repository (COGR). Not counted in ClinVar's aggregate classification.

Sharing Clinical Reports Project (SCRP)
Classification: Pathogenic for Breast-ovarian cancer, familial 2. Last evaluated: 2011-06-22. Review status: no assertion criteria provided. Collection method: clinical testing. Allele origin: germline. Not counted in ClinVar's aggregate classification.

Breast Cancer Information Core (BIC) (BRCA2)
Classification: Pathogenic for Breast-ovarian cancer, familial 2. Last evaluated: 2002-05-29. Review status: no assertion criteria provided. Collection method: clinical testing. Allele origin: germline. Affected: yes. Observed: 1 variant allele. Not counted in ClinVar's aggregate classification.

Department of Pathology and Laboratory Medicine, Sinai Health System
Classification: Pathogenic. Review status: no assertion criteria provided. Collection method: clinical testing. Allele origin: unknown. Affected: yes. Observed: 1 variant allele. Study: The Canadian Open Genetics Repository (COGR). Not counted in ClinVar's aggregate classification.

Literature cited by the submitters: PubMed 33471991 (cited by Quest Diagnostics Nichols Institute San Juan Capistrano); PubMed 29446198 (cited by 4 submitters); PubMed 34657373 (cited by Quest Diagnostics Nichols Institute San Juan Capistrano); PubMed 20104584 (cited by Labcorp Genetics (formerly Invitae), Labcorp).